The following is an entry in ClinVar:

NM_000271.5(NPC1):c.2747A>G (p.Asn916Ser)

Gene: NPC1 (NPC intracellular cholesterol transporter 1; minus strand). Cytogenetic location: 18q11.2.
Variant type: single nucleotide variant.
Coding change: c.2747A>G on transcript NM_000271.5 (MANE Select); coding-DNA position 2747, A replaced by G.
Protein change: p.Asn916Ser; replaces asparagine 916 with serine.
Molecular consequence: missense variant.
Genome position (GRCh38, 1-based): chr18:23,539,859, T>C on the plus strand (A>G on the coding strand, the complement: NPC1 is on the minus strand). VCF-style: chr18-23539859-T-C. GRCh37 (hg19) VCF-style: chr18-21119823-T-C.
Other names: p.Asn916Ser; short protein forms N916S.
Identifiers: ClinVar variation 374343 (VCV000374343.21), dbSNP rs756815669, ClinGen allele CA8912985.
Genomic context (GRCh38, chr18:23,539,859, plus strand): 5'-GGTGGTACTGACTAGTTGTCCAGCTGCGCCGCGTTAAATATCTGCTGCACCAGGGAATCA[T>C]TGTTGCAGCCCATGCCGCCGCACACCATGTTCTGCCCCTTGGAAGAAGTGTAGTCGTGCC-3'
Protein context (NP_000262.2, residues 906-926): NMVCGGMGCN[Asn916Ser]DSLVQQIFNA

ClinVar aggregate classification (germline): Uncertain significance. Review status: criteria provided, multiple submitters, no conflicts (2 of 4 stars). 13 submissions from 13 submitters: Uncertain significance (11). 2 of the submissions do not count toward it. Last evaluated 2026-06-16.

Conditions:
NPC1-related disorder. Also called: NPC1-related condition.
Niemann-Pick disease, type C1. Also called: NEUROVISCERAL STORAGE DISEASE WITH VERTICAL SUPRANUCLEAR OPHTHALMOPLEGIA; NIEMANN-PICK DISEASE WITH CHOLESTEROL ESTERIFICATION BLOCK; NIEMANN-PICK DISEASE WITHOUT SPHINGOMYELINASE DEFICIENCY; NIEMANN-PICK DISEASE, CHRONIC NEURONOPATHIC FORM; NIEMANN-PICK DISEASE, VARIANT TYPE C1. Identifiers: Orphanet 646, MedGen C3179455, MONDO:0009757, OMIM 257220.

Allele frequency attached by ClinVar (database versions not stated): gnomAD 0.00005 and 0.00006; gnomAD exomes 0.00005 and 0.00010; TOPMed 0.00007; ExAC 0.00010.
gnomAD v4.1: 87 of 1,614,072 alleles (0.0054%); highest among the groups gnomAD compares: Middle Eastern, 0.13%; no homozygotes.

Submissions (13):

PreventionGenetics, part of Exact Sciences
Classification: Uncertain significance for NPC1-related condition. Last evaluated: 2026-06-16. Review status: criteria provided, single submitter. Criteria: ACMG Guidelines, 2015. Collection method: clinical testing. Allele origin: germline.
Comment: The NPC1 c.2747A>G variant is predicted to result in the amino acid substitution p.Asn916Ser. This variant was reported, along with a second potentially causative variant, in an individual with Niemann-Pick disease (Lario et al. 2016. PubMed ID: 27016452) and in the heterozygous state in an individual with leukodystrophy (supplementary data, El Naofal et al. 2023. PubMed ID: 36703223). This variant was also described, along with a second potentially causative variant in the same gene, in an individual who underwent diagnostic exome sequencing (supplementary data, Posey et al. 2016. PubMed ID: 27959697). This variant is reported in 0.023% of alleles in individuals of Latino descent in gnomAD. At this time, the clinical significance of this variant is uncertain due to the absence of conclusive functional and genetic evidence.

Women's Health and Genetics/Laboratory Corporation of America, LabCorp
Classification: Uncertain significance. Last evaluated: 2025-11-10. Review status: criteria provided, single submitter. Criteria: LabCorp Variant Classification Summary - May 2015. Collection method: clinical testing. Allele origin: germline.
Comment: Variant summary: NPC1 c.2747A>G (p.Asn916Ser) results in a conservative amino acid change in the encoded protein sequence. Algorithms developed to predict the effect of missense changes on protein structure and function are either unavailable or do not agree on the potential impact of this missense change. The variant allele was found at a frequency of 0.0001 in 251482 control chromosomes. This frequency is not significantly higher than estimated for disease-causing variants in NPC1, allowing no conclusion about variant significance. c.2747A>G has been observed in the presumed compound heterozygous state in at least 1 individual(s) affected with Niemann-Pick Disease Type C (example, Lario_2016) and in other individuals without strong evidence causality (example, Posey_2017, El Naofal_2023). These data do not allow any conclusion about variant significance. To our knowledge, no experimental evidence demonstrating an impact on protein function has been reported. The following publications have been ascertained in the context of this evaluation (PMID: 27016452, 28749476, 37032242, 26239048, 39286960, 27959697, 29140481, 36703223). ClinVar contains an entry for this variant (Variation ID: 374343). Based on the evidence outlined above, the variant was classified as uncertain significance.

Mayo Clinic Laboratories, Mayo Clinic
Classification: Uncertain significance. Last evaluated: 2025-10-28. Review status: criteria provided, single submitter. Criteria: ACMG Guidelines, 2015. Collection method: clinical testing. Allele origin: germline. Observed: 1 variant allele.
Comment: PM2_supporting, PM3

Labcorp Genetics (formerly Invitae), Labcorp
Classification: Uncertain significance for Niemann-Pick disease, type C1. Last evaluated: 2024-11-05. Review status: criteria provided, single submitter. Criteria: Invitae Variant Classification Sherloc (09022015). Collection method: clinical testing. Allele origin: germline.
Comment: This sequence change replaces asparagine, which is neutral and polar, with serine, which is neutral and polar, at codon 916 of the NPC1 protein (p.Asn916Ser). This variant is present in population databases (rs756815669, gnomAD 0.02%). This missense change has been observed in individual(s) with Niemann-Pick disease type C (PMID: 27016452, 36703223). ClinVar contains an entry for this variant (Variation ID: 374343). Invitae Evidence Modeling of protein sequence and biophysical properties (such as structural, functional, and spatial information, amino acid conservation, physicochemical variation, residue mobility, and thermodynamic stability) indicates that this missense variant is not expected to disrupt NPC1 protein function with a negative predictive value of 95%. In summary, the available evidence is currently insufficient to determine the role of this variant in disease. Therefore, it has been classified as a Variant of Uncertain Significance.

Genome-Nilou Lab
Classification: Uncertain significance for Niemann-Pick disease, type C1. Last evaluated: 2021-07-14. Review status: criteria provided, single submitter. Criteria: ACMG Guidelines, 2015. Collection method: clinical testing. Allele origin: germline. Affected: no.

GeneDx
Classification: Uncertain significance. Last evaluated: 2020-11-25. Review status: criteria provided, single submitter. Criteria: GeneDx Variant Classification Process June 2021. Collection method: clinical testing. Allele origin: germline. Affected: yes.
Comment: Reported in a patient who harbored a second NPC1 variant who also was homozygous for a variant in another gene that may have been responsible for the phenotype; phenotype information was not provided (Posey et al., 2017); In silico analysis supports that this missense variant does not alter protein structure/function; This variant is associated with the following publications: (PMID: 27959697, 27016452)

Dubai Health Genomic Medicine Center, Dubai Health
Classification: Uncertain significance for Niemann-Pick disease, type C1. Last evaluated: 2020-07-23. Review status: criteria provided, single submitter. Criteria: ACMG Guidelines, 2015. Collection method: clinical testing. Allele origin: germline. Affected: yes.
Comment: The p.Asn916Ser variant in the NPC1 gene has been previously reported as a variant of uncertain significance by several clinical laboratories (ClinVar ID: 374343). It has also been identified in 26/251482 (0.01% 0 homozygotes) total alleles in the Genome Aggregation Database (gnomAD) and in 1/1985 (0.05%) alleles in the Greater Middle East (GME) Variome Database. Computational prediction tools and conservation analyses do not suggest an impact to protein function and the change to "serine" has been seen in several mammals. In summary more information is needed to determine the clinical significance of this variant though based on the information it is more likely to be benign.

Department of Pathology and Laboratory Medicine, Sinai Health System
Classification: Uncertain significance for Niemann-Pick disease, type C1. Last evaluated: 2020-06-30. Review status: criteria provided, single submitter. Criteria: ACMG Guidelines, 2015. Collection method: research. Allele origin: germline.

Fulgent Genetics
Classification: Uncertain significance for Niemann-Pick disease, type C1. Last evaluated: 2018-10-31. Review status: criteria provided, single submitter. Criteria: ACMG Guidelines, 2015. Collection method: clinical testing. Allele origin: unknown.

Eurofins Ntd Llc (ga)
Classification: Uncertain significance. Last evaluated: 2018-06-19. Review status: criteria provided, single submitter. Criteria: EGL ClinVar v180209 classification definitions. Collection method: clinical testing. Allele origin: germline. Observed: 4 variant alleles, 4 heterozygotes.

Department of Genetics, Sultan Qaboos University Hospital
Classification: Uncertain significance for Niemann-Pick disease, type C1. Last evaluated: 2017-12-30. Review status: criteria provided, single submitter. Criteria: ACMG Guidelines, 2015. Collection method: curation. Allele origin: unknown. Affected: yes.

Natera, Inc.
Classification: Uncertain significance for Niemann-Pick disease type C1. Last evaluated: 2020-02-17. Review status: no assertion criteria provided. Collection method: clinical testing. Allele origin: germline. Not counted in ClinVar's aggregate classification.

Baylor Genetics
Classification: Uncertain significance for Niemann-Pick disease, type C1. Last evaluated: 2015-05-06. Review status: no assertion criteria provided. Collection method: clinical testing. Allele origin: germline. Inheritance: Autosomal recessive inheritance. Observed: 5 variant alleles, 1 heterozygote, 4 compound heterozygotes. Not counted in ClinVar's aggregate classification.

Literature cited by the submitters: PubMed 27959697 (cited by Women's Health and Genetics/Laboratory Corporation of America, LabCorp and Mayo Clinic Laboratories, Mayo Clinic); PubMed 28749476 (cited by Women's Health and Genetics/Laboratory Corporation of America, LabCorp); PubMed 29140481 (cited by Women's Health and Genetics/Laboratory Corporation of America, LabCorp); PubMed 36703223 (cited by 3 submitters); PubMed 39286960 (cited by Women's Health and Genetics/Laboratory Corporation of America, LabCorp); PubMed 37032242 (cited by Women's Health and Genetics/Laboratory Corporation of America, LabCorp); PubMed 26239048 (cited by Women's Health and Genetics/Laboratory Corporation of America, LabCorp); PubMed 27016452 (cited by 3 submitters).